The following is an entry in ClinVar:

ClinVar aggregate classification (germline): Conflicting classifications of pathogenicity. Review status: criteria provided, conflicting classifications (1 of 4 stars). 5 submissions from 5 submitters: Pathogenic (2); Likely pathogenic (1); Uncertain significance (1). 1 of the submissions does not count toward it. Last evaluated 2025-11-03.

Conditions:
THRB-related disorder. Also called: THRB-related condition.
Thyroid hormone resistance, generalized, autosomal dominant (GRTHD). Also called: HYPERTHYROXINEMIA, FAMILIAL EUTHYROID, SECONDARY TO PITUITARY AND PERIPHERAL RESISTANCE TO THYROID HORMONES. Identifiers: MedGen C2937288, MONDO:0008569, OMIM 188570.

Submissions (5):

PreventionGenetics, part of Exact Sciences
Classification: Likely pathogenic for THRB-related condition. Last evaluated: 2025-11-03. Review status: criteria provided, single submitter. Criteria: ACMG Guidelines, 2015. Collection method: clinical testing. Allele origin: germline.
Comment: The THRB c.928A>G variant is predicted to result in the amino acid substitution p.Met310Val. This variant has been reported in two individuals with thyroid hormone resistance (Amor et al. 2014. PubMed ID: 24722129; Campi et al. 2020. PubMed ID: 32733382). This variant has not been reported in a large population database (gnomAD), indicating this variant is rare. Alternate missense substitutions affecting the same amino acid (p.Met310Ile, p.Met310Leu, and p.Met310Thr) have been reported in multiple individuals with resistance to thyroid hormone (see for examples, Nagashima et al. 1997. PubMed ID: 9349582; Furlanetto et al. 2000. PubMed ID: 11073720; Del Prete et al. 2021. PubMed ID: 33960321). This variant is also located within one of THRB mutational hotspots (Amor et al. 2014. PubMed ID: 24722129). We classify the c.928A>G (p.Met310Val) variant as likely pathogenic.

Quest Diagnostics Nichols Institute San Juan Capistrano
Classification: Uncertain significance. Last evaluated: 2024-06-28. Review status: criteria provided, single submitter. Criteria: Quest Diagnostics criteria. Collection method: clinical testing. Allele origin: unknown.
Comment: The THRB c.928A>G (p.Met310Val) variant has been reported in the published literature in a family with resistance to thyroid hormone (RTH) (PMID: 24722129 (2014)). This variant has not been reported in large, multi-ethnic general populations (Genome Aggregation Database). Analysis of this variant using bioinformatics tools for the prediction of the effect of amino acid changes on protein structure and function yielded predictions that this variant is damaging. Based on the available information, we are unable to determine the clinical significance of this variant.

Women's Health and Genetics/Laboratory Corporation of America, LabCorp
Classification: Pathogenic for Thyroid hormone resistance, generalized, autosomal dominant. Last evaluated: 2024-04-04. Review status: criteria provided, single submitter. Criteria: LabCorp Variant Classification Summary - May 2015. Collection method: clinical testing. Allele origin: germline.
Comment: Variant summary: THRB c.928A>G (p.Met310Val) results in a conservative amino acid change located in the Nuclear hormone receptor, ligand-binding domain (IPR000536) of the encoded protein sequence. Three of five in-silico tools predict a damaging effect of the variant on protein function. The variant was absent in 251438 control chromosomes (gnomAD). c.928A>G has been reported in the literature in multiple individuals affected with Thyroid Hormone Resistance, Generalized, Autosomal Dominant (e.g. Amor_2014, Campi_2020, Moran_2021). Other missense changes affecting this amino acid have been determined to be pathogenic, suggesting this is a functionally important residue. These data indicate that the variant is very likely to be associated with disease. The following publications have been ascertained in the context of this evaluation (PMID: 24722129, 32733382, 33524107). ClinVar contains an entry for this variant (Variation ID: 492914). Based on the evidence outlined above, the variant was classified as pathogenic.

Breakthrough Genomics
Classification: Pathogenic for Thyroid hormone resistance, generalized, autosomal dominant. Last evaluated: 2021-07-22. Review status: criteria provided, single submitter. Criteria: ACMG Guidelines, 2015. Collection method: clinical testing. Allele origin: germline. Affected: yes.
Comment: This variant is predicted to be damaging by in-silico missense prediction tools (SIFT and Polyphen2). It was previously reported in individuals with resistance to thyroid hormone (RTH) in heterozygous state [PMID: 20237409, 24722129]. In addition, other missense variants such as: p.Met310Thr and p.Met310Leu affecting the same codon of the identified variant have been reported as ‘pathogenic’ in the ClinVar database.

Clinical Molecular Genetics Laboratory, Johns Hopkins All Children's Hospital
Classification: Pathogenic for Thyroid hormone resistance, generalized, autosomal dominant. Last evaluated: 2014-05-06. Review status: no assertion criteria provided. Collection method: clinical testing. Allele origin: germline. Affected: yes. Not counted in ClinVar's aggregate classification.

Literature cited by the submitters: PubMed 24722129 (cited by Quest Diagnostics Nichols Institute San Juan Capistrano and Women's Health and Genetics/Laboratory Corporation of America, LabCorp); PubMed 32733382 (cited by Women's Health and Genetics/Laboratory Corporation of America, LabCorp); PubMed 33524107 (cited by Women's Health and Genetics/Laboratory Corporation of America, LabCorp).

NM_001354712.2(THRB):c.928A>G (p.Met310Val)

Gene: THRB (thyroid hormone receptor beta; minus strand). Cytogenetic location: 3p24.2.
Variant type: single nucleotide variant.
Coding change: c.928A>G on transcript NM_001354712.2 (MANE Select); coding-DNA position 928, A replaced by G.
Protein change: p.Met310Val; replaces methionine 310 with valine.
Molecular consequence: missense variant.
Genome position (GRCh38, 1-based): chr3:24,127,715, T>C on the plus strand (A>G on the coding strand, the complement: THRB is on the minus strand). VCF-style: chr3-24127715-T-C. GRCh37 (hg19) VCF-style: chr3-24169206-T-C.
Other names: p.Met310Val; c.928A>G, p.Met310Val (NM_000461.5, NM_001128176.3, NM_001128177.2 and 6 more transcripts); c.835A>G, p.Met279Val (NM_001354714.2, NM_001354715.2); c.928A>G (NM_000461.4); short protein forms M310V, M279V.
Identifiers: ClinVar variation 492914 (VCV000492914.6), dbSNP rs1553611094, ClinGen allele CA351888942.